The following is an entry in ClinVar:

NM_000642.3(AGL):c.664+2T>C

Gene: AGL (amylo-alpha-1,6-glucosidase and 4-alpha-glucanotransferase; plus strand). Cytogenetic location: 1p21.2.
Variant type: single nucleotide variant.
Coding change: c.664+2T>C on transcript NM_000642.3 (MANE Select); the canonical splice donor site of the intron after coding-DNA position 664, T replaced by C.
Molecular consequence: splice donor variant. On other transcripts: intron variant (2).
Genome position (GRCh38, 1-based): chr1:99,864,591, T>C. VCF-style: chr1-99864591-T-C. GRCh37 (hg19) VCF-style: chr1-100330147-T-C.
Other names: c.664+2T>C (NM_000643.3, NM_000644.3, NM_001425326.1 and 3 more transcripts); c.616+2T>C (NM_000646.3); c.460+2168T>C (NM_001425328.1, NM_001425329.1); c.286+2T>C (NM_001425332.1).
Identifiers: ClinVar variation 934563 (VCV000934563.8), dbSNP rs1650347038, ClinGen allele CA341337273.

ClinVar aggregate classification (germline): Likely pathogenic (1 of 4 stars; one submission).

Conditions:
Glycogen storage disease type III (GSD3). Also called: Cori disease; FORBES DISEASE. Identifiers: Orphanet 366, MedGen C0017922, MONDO:0009291, OMIM 232400.

Submission:

Labcorp Genetics (formerly Invitae), Labcorp
Classification: Likely pathogenic for Glycogen storage disease type III. Last evaluated: 2019-06-26. Review status: criteria provided, single submitter. Criteria: Invitae Variant Classification Sherloc (09022015). Collection method: clinical testing. Allele origin: germline.
Comment: This sequence change affects a donor splice site in intron 5 of the AGL gene. It is expected to disrupt RNA splicing and likely results in an absent or disrupted protein product. This variant is not present in population databases (ExAC no frequency). This variant has not been reported in the literature in individuals with AGL-related conditions. Algorithms developed to predict the effect of sequence changes on RNA splicing suggest that this variant may disrupt the consensus splice site, but this prediction has not been confirmed by published transcriptional studies. Donor and acceptor splice site variants typically lead to a loss of protein function (PMID: 16199547), and loss-of-function variants in AGL are known to be pathogenic (PMID: 19299494). In summary, the currently available evidence indicates that the variant is pathogenic, but additional data are needed to prove that conclusively. Therefore, this variant has been classified as Likely Pathogenic.

Literature cited by the submitters: PubMed 16199547; PubMed 19299494.